The following is an entry in ClinVar:

ClinVar aggregate classification (germline): Likely benign (0 of 4 stars; one submission).

Conditions:
UNC79-related disorder. Also called: UNC79-related condition.

Submission:

PreventionGenetics, part of Exact Sciences
Classification: Likely benign for UNC79-related condition. Last evaluated: 2024-05-24. Review status: no assertion criteria provided. Collection method: clinical testing. Allele origin: germline.
Comment: This variant is classified as likely benign based on ACMG/AMP sequence variant interpretation guidelines (Richards et al. 2015 PMID: 25741868, with internal and published modifications).

NM_001395159.1(UNC79):c.23-6A>C

Gene: UNC79 (unc-79 homolog, NALCN channel complex subunit; plus strand). Cytogenetic location: 14q32.12.
Variant type: single nucleotide variant.
Coding change: c.23-6A>C on transcript NM_001395159.1 (MANE Select); 6 bases into the intron before coding-DNA position 23, A replaced by C.
Molecular consequence: intron variant.
Genome position (GRCh38, 1-based): chr14:93,467,665, A>C. VCF-style: chr14-93467665-A-C. GRCh37 (hg19) VCF-style: chr14-93934011-A-C.
Other names: c.-350-6A>C (NM_020818.5); c.23-6A>C (NM_001346218.2).
Identifiers: ClinVar variation 3347965 (VCV003347965.1).